The following is an entry in ClinVar:

NC_000016.9:g.(?_16271289)_(16286799_?)dup

Gene: ABCC6 (ATP binding cassette subfamily C member 6; minus strand). Cytogenetic location: 16p13.11.
Variant type: Duplication.
Identifiers: ClinVar variation 1504051 (VCV001504051.4).

ClinVar aggregate classification (germline): Likely pathogenic (1 of 4 stars; one submission).

Submission:

Labcorp Genetics (formerly Invitae), Labcorp
Classification: Likely pathogenic. Last evaluated: 2020-11-14. Review status: criteria provided, single submitter. Criteria: Invitae Variant Classification Sherloc (09022015). Collection method: clinical testing. Allele origin: germline.
Comment: In summary, the currently available evidence indicates that the variant is pathogenic, but additional data are needed to prove that conclusively. Therefore, this variant has been classified as Likely Pathogenic. This variant has not been reported in the literature in individuals with ABCC6-related conditions. This variant results in a copy number gain of the genomic region encompassing exon(s) 11-19 of the ABCC6 gene. While the exact position of this variant cannot be determined from the data, sub-genic copy number gains are generally in tandem (PMID: 25640679). This variant is predicted to be out-of-frame, and may result in an absent or disrupted protein product. Loss-of-function variants in ABCC6 are known to be pathogenic (PMID: 11536079, 17617515).

Literature cited by the submitters: PubMed 25640679; PubMed 11536079; PubMed 17617515.